The following is an entry in ClinVar:

NM_144997.7(FLCN):c.1087A>T (p.Met363Leu)

Gene: FLCN (folliculin; minus strand). Cytogenetic location: 17p11.2.
Variant type: single nucleotide variant.
Coding change: c.1087A>T on transcript NM_144997.7 (MANE Select); coding-DNA position 1087, A replaced by T.
Protein change: p.Met363Leu; replaces methionine 363 with leucine.
Molecular consequence: missense variant.
Genome position (GRCh38, 1-based): chr17:17,217,158, T>A on the plus strand (A>T on the coding strand, the complement: FLCN is on the minus strand). VCF-style: chr17-17217158-T-A. GRCh37 (hg19) VCF-style: chr17-17120472-T-A.
Other names: c.1087A>T (LRG_325t1); c.1141A>T, p.Met381Leu (NM_001353229.2); c.1087A>T, p.Met363Leu (NM_001353230.2, NM_001353231.2); short protein forms M363L, M381L.
Identifiers: ClinVar variation 460579 (VCV000460579.20), dbSNP rs1313891453, ClinGen allele CA398532361.

ClinVar aggregate classification (germline): Uncertain significance. Review status: criteria provided, multiple submitters, no conflicts (2 of 4 stars). 4 submissions from 4 submitters: Uncertain significance (4). Last evaluated 2025-11-22.

Conditions:
Colorectal cancer. Also called: Colorectal cancer, somatic; Malignant Colorectal Neoplasm. Identifiers: MedGen C0346629, MONDO:0005575, OMIM 114500.
Nonpapillary renal cell carcinoma. Identifiers: Orphanet 422526, MedGen CN074294, MONDO:0007763, OMIM 144700.
Familial spontaneous pneumothorax (PSP). Identifiers: Orphanet 2903, MedGen C1868193, MONDO:0008259, OMIM 173600.
Birt-Hogg-Dube syndrome 1 (BHD1). Also called: FIBROFOLLICULOMAS WITH TRICHODISCOMAS AND ACROCHORDONS. Identifiers: Orphanet 122, MedGen CN375946, MONDO:0800445, OMIM 135150.
Hereditary cancer-predisposing syndrome. Also called: Hereditary neoplastic syndrome; Neoplastic Syndromes, Hereditary; Tumor predisposition; Hereditary Cancer Syndrome. Identifiers: Orphanet 140162, MedGen C0027672, MeSH D009386, MONDO:0015356.
Birt-Hogg-Dube syndrome. Also called: Birt Hogg Dubé syndrome. Identifiers: Orphanet 122, MedGen C0346010, MONDO:0800444.

Allele frequency attached by ClinVar (database versions not stated): gnomAD 0.00001; TOPMed 0.00001.
gnomAD v4.1: 7 of 1,613,880 alleles (0.00043%); highest among the groups gnomAD compares: Non-Finnish European, 0.00059%; no homozygotes.

Submissions (4):

Labcorp Genetics (formerly Invitae), Labcorp
Classification: Uncertain significance for Birt-Hogg-Dube syndrome. Last evaluated: 2025-11-22. Review status: criteria provided, single submitter. Criteria: Invitae Variant Classification Sherloc (09022015). Collection method: clinical testing. Allele origin: germline.
Comment: This sequence change replaces methionine, which is neutral and non-polar, with leucine, which is neutral and non-polar, at codon 363 of the FLCN protein (p.Met363Leu). This variant is not present in population databases (gnomAD no frequency). This variant has not been reported in the literature in individuals affected with FLCN-related conditions. ClinVar contains an entry for this variant (Variation ID: 460579). Invitae Evidence Modeling of protein sequence and biophysical properties (such as structural, functional, and spatial information, amino acid conservation, physicochemical variation, residue mobility, and thermodynamic stability) indicates that this missense variant is not expected to disrupt FLCN protein function with a negative predictive value of 80%. In summary, the available evidence is currently insufficient to determine the role of this variant in disease. Therefore, it has been classified as a Variant of Uncertain Significance.

Ambry Genetics
Classification: Uncertain significance for Hereditary cancer-predisposing syndrome. Last evaluated: 2025-08-11. Review status: criteria provided, single submitter. Criteria: Ambry Variant Classification Scheme 2023. Collection method: clinical testing. Allele origin: germline.
Comment: The p.M363L variant (also known as c.1087A>T), located in coding exon 7 of the FLCN gene, results from an A to T substitution at nucleotide position 1087. The methionine at codon 363 is replaced by leucine, an amino acid with highly similar properties. This amino acid position is not well conserved in available vertebrate species. In addition, this alteration is predicted to be tolerated by in silico analysis. Since supporting evidence is limited at this time, the clinical significance of this alteration remains unclear.

GeneDx
Classification: Uncertain significance. Last evaluated: 2024-06-17. Review status: criteria provided, single submitter. Criteria: GeneDx Variant Classification Process June 2021. Collection method: clinical testing. Allele origin: germline. Affected: yes.
Comment: Not observed at significant frequency in large population cohorts (gnomAD); In silico analysis indicates that this missense variant does not alter protein structure/function; Has not been previously published as pathogenic or benign to our knowledge; This variant is associated with the following publications: (PMID: 17028174)

Fulgent Genetics
Classification: Uncertain significance for Colorectal cancer; Birt-Hogg-Dube syndrome 1; Nonpapillary renal cell carcinoma; Familial spontaneous pneumothorax. Last evaluated: 2024-04-14. Review status: criteria provided, single submitter. Criteria: ACMG Guidelines, 2015. Collection method: clinical testing. Allele origin: germline.